The following is an entry in ClinVar:

NM_001876.4(CPT1A):c.1925del (p.His642fs)

Gene: CPT1A (carnitine palmitoyltransferase 1A; minus strand). Cytogenetic location: 11q13.3.
Variant type: Deletion.
Coding change: c.1925del on transcript NM_001876.4 (MANE Select); coding-DNA position 1925, one base deleted (A; older notation c.1925delA).
Protein change: p.His642fs; shifts the reading frame from histidine 642.
Molecular consequence: frameshift variant.
Genome position (GRCh38, 1-based): chr11:68,761,638, T deleted on the plus strand (A on the coding strand, the reverse complement: CPT1A is on the minus strand). VCF-style (leftmost placement, unchanged base first): chr11-68761637-AT-A. GRCh37 (hg19) VCF-style: chr11-68529105-AT-A.
Other names: c.1925del, p.His642fs (NM_001031847.3); short protein forms H642fs.
Identifiers: ClinVar variation 1998547 (VCV001998547.4), dbSNP rs2495513020, ClinGen allele CA2580084750.

ClinVar aggregate classification (germline): Pathogenic (1 of 4 stars; one submission).

Conditions:
Carnitine palmitoyl transferase 1A deficiency. Also called: Carnitine palmitoyltransferase 1A deficiency; Carnitine palmitoyltransferase type I deficiency; CPT deficiency, hepatic, type IA; CPT I DEFICIENCY; CPT DEFICIENCY, HEPATIC, TYPE I. Identifiers: Orphanet 156, MedGen C1829703, MONDO:0009705, OMIM 255120.

Submission:

Labcorp Genetics (formerly Invitae), Labcorp
Classification: Pathogenic for Carnitine palmitoyl transferase 1A deficiency. Last evaluated: 2022-05-25. Review status: criteria provided, single submitter. Criteria: Invitae Variant Classification Sherloc (09022015). Collection method: clinical testing. Allele origin: germline.
Comment: For these reasons, this variant has been classified as Pathogenic. This variant has not been reported in the literature in individuals affected with CPT1A-related conditions. This variant is not present in population databases (gnomAD no frequency). This sequence change creates a premature translational stop signal (p.His642Leufs*7) in the CPT1A gene. It is expected to result in an absent or disrupted protein product. Loss-of-function variants in CPT1A are known to be pathogenic (PMID: 16169268).

Literature cited by the submitters: PubMed 16169268.